The following is an entry in ClinVar:

NM_007254.4(PNKP):c.584T>C (p.Leu195Ser)

Gene: PNKP (polynucleotide kinase 3'-phosphatase; minus strand). Cytogenetic location: 19q13.33.
Variant type: single nucleotide variant.
Coding change: c.584T>C on transcript NM_007254.4 (MANE Select); coding-DNA position 584, T replaced by C.
Protein change: p.Leu195Ser; replaces leucine 195 with serine.
Molecular consequence: missense variant.
Genome position (GRCh38, 1-based): chr19:49,864,231, A>G on the plus strand (T>C on the coding strand, the complement: PNKP is on the minus strand). VCF-style: chr19-49864231-A-G. GRCh37 (hg19) VCF-style: chr19-50367488-A-G.
Other names: short protein forms L195S.
Identifiers: ClinVar variation 1953728 (VCV001953728.2), dbSNP rs773769080, ClinGen allele CA9586880.

ClinVar aggregate classification (germline): Uncertain significance (1 of 4 stars; one submission).

Conditions:
Developmental and epileptic encephalopathy, 12 (DEE12). Identifiers: MedGen C3150988, MONDO:0013389, OMIM 613722.

Allele frequency attached by ClinVar (database versions not stated): ExAC 0.00001; gnomAD 0.00001; gnomAD exomes 0.00003; TOPMed 0.00003.
gnomAD v4.1: 39 of 1,614,042 alleles (0.0024%); highest among the groups gnomAD compares: Non-Finnish European, 0.0032%; no homozygotes.

Submission:

Labcorp Genetics (formerly Invitae), Labcorp
Classification: Uncertain significance for Developmental and epileptic encephalopathy, 12. Last evaluated: 2022-04-08. Review status: criteria provided, single submitter. Criteria: Invitae Variant Classification Sherloc (09022015). Collection method: clinical testing. Allele origin: germline.
Comment: This sequence change replaces leucine, which is neutral and non-polar, with serine, which is neutral and polar, at codon 195 of the PNKP protein (p.Leu195Ser). This variant is present in population databases (rs773769080, gnomAD 0.007%). This variant has not been reported in the literature in individuals affected with PNKP-related conditions. Algorithms developed to predict the effect of missense changes on protein structure and function (SIFT, PolyPhen-2, Align-GVGD) all suggest that this variant is likely to be disruptive. In summary, the available evidence is currently insufficient to determine the role of this variant in disease. Therefore, it has been classified as a Variant of Uncertain Significance.